The following is an entry in ClinVar:

ClinVar aggregate classification (germline): Benign/Likely benign. Review status: criteria provided, multiple submitters, no conflicts (2 of 4 stars). 4 submissions from 4 submitters: Benign (1); Likely benign (2). 1 of the submissions does not count toward it. Last evaluated 2024-11-08.

Conditions:
COL4A2-related disorder. Also called: COL4A2-related disorders; COL4A2-related condition.
Brain small vessel disease 2A, autosomal dominant. Also called: Porencephaly 2. Identifiers: Orphanet 2940, Orphanet 99810, MedGen C3280970, MONDO:0013773, OMIM 614483.

Allele frequency attached by ClinVar (database versions not stated): gnomAD exomes 0.00005 and 0.00019; gnomAD 0.00006 and 0.00011; TOPMed 0.00008; ExAC 0.00012; 1000 Genomes Project 30x 0.00047; 1000 Genomes Project 0.00060.
gnomAD v4.1: 97 of 1,613,720 alleles (0.006%); highest among the groups gnomAD compares: East Asian, 0.12%; no homozygotes.

Submissions (4):

Blueprint Genetics
Classification: Likely benign. Last evaluated: 2024-11-08. Review status: criteria provided, single submitter. Criteria: ACMG Guidelines, 2015. Collection method: clinical testing. Allele origin: germline.

Labcorp Genetics (formerly Invitae), Labcorp
Classification: Likely benign. Last evaluated: 2024-07-01. Review status: criteria provided, single submitter. Criteria: Invitae Variant Classification Sherloc (09022015). Collection method: clinical testing. Allele origin: germline.

Illumina Laboratory Services, Illumina
Classification: Benign for Brain small vessel disease 2A, autosomal dominant. Last evaluated: 2018-01-12. Review status: criteria provided, single submitter. Criteria: ICSL Variant Classification Criteria 13 December 2019. Collection method: clinical testing. Allele origin: germline.
Comment: This variant was observed in the ICSL laboratory as part of a predisposition screen in an ostensibly healthy population. It had not been previously curated by ICSL or reported in the Human Gene Mutation Database (HGMD: prior to June 1st, 2018), and was therefore a candidate for classification through an automated scoring system. Utilizing variant allele frequency, disease prevalence and penetrance estimates, and inheritance mode, an automated score was calculated to assess if this variant is too frequent to cause the disease. Based on the score and internal cut-off values, a variant classified as benign is not then subjected to further curation. The score for this variant resulted in a classification of benign for this disease.

PreventionGenetics, part of Exact Sciences
Classification: Likely benign for COL4A2-related condition. Last evaluated: 2019-10-22. Review status: no assertion criteria provided. Collection method: clinical testing. Allele origin: germline. Not counted in ClinVar's aggregate classification.
Comment: This variant is classified as likely benign based on ACMG/AMP sequence variant interpretation guidelines (Richards et al. 2015 PMID: 25741868, with internal and published modifications).

NM_001846.4(COL4A2):c.1945C>T (p.Pro649Ser)

Gene: COL4A2 (collagen type IV alpha 2 chain; plus strand). Cytogenetic location: 13q34.
Variant type: single nucleotide variant.
Coding change: c.1945C>T on transcript NM_001846.4 (MANE Select); coding-DNA position 1945, C replaced by T.
Protein change: p.Pro649Ser; replaces proline 649 with serine.
Molecular consequence: missense variant.
Genome position (GRCh38, 1-based): chr13:110,465,573, C>T. VCF-style: chr13-110465573-C-T. GRCh37 (hg19) VCF-style: chr13-111117920-C-T.
Other names: short protein forms P649S.
Identifiers: ClinVar variation 311137 (VCV000311137.15), dbSNP rs370641410, ClinGen allele CA7049752.